The following is an entry in ClinVar:

ClinVar aggregate classification (germline): Likely pathogenic. Review status: criteria provided, multiple submitters, no conflicts (2 of 4 stars). 2 submissions from 2 submitters: Likely pathogenic (2). Last evaluated 2024-02-17.

Conditions:
Brody myopathy. Also called: BRODY DISEASE. Identifiers: Orphanet 53347, MedGen C1832918, MONDO:0010977, OMIM 601003.

Allele frequency attached by ClinVar (database versions not stated): gnomAD exomes below 0.00001.
gnomAD v4.1: 6 of 1,613,804 alleles (0.00037%); highest among the groups gnomAD compares: Non-Finnish European, 0.00051%; no homozygotes.

Submissions (2):

Labcorp Genetics (formerly Invitae), Labcorp
Classification: Likely pathogenic for Brody myopathy. Last evaluated: 2024-02-17. Review status: criteria provided, single submitter. Criteria: Invitae Variant Classification Sherloc (09022015). Collection method: clinical testing. Allele origin: germline.
Comment: This sequence change affects a donor splice site in intron 19 of the ATP2A1 gene. It is expected to disrupt RNA splicing. Variants that disrupt the donor or acceptor splice site typically lead to a loss of protein function (PMID: 16199547), and loss-of-function variants in ATP2A1 are known to be pathogenic (PMID: 8841193, 10914677, 23911890). This variant is not present in population databases (gnomAD no frequency). Disruption of this splice site has been observed in individual(s) with Brody myopathy (PMID: 26248958). ClinVar contains an entry for this variant (Variation ID: 666962). Algorithms developed to predict the effect of sequence changes on RNA splicing suggest that this variant may disrupt the consensus splice site. In summary, the currently available evidence indicates that the variant is pathogenic, but additional data are needed to prove that conclusively. Therefore, this variant has been classified as Likely Pathogenic.

Laboratory for Molecular Medicine, Mass General Brigham Personalized Medicine
Classification: Likely pathogenic for Brody myopathy. Last evaluated: 2017-11-15. Review status: criteria provided, single submitter. Criteria: LMM Criteria. Collection method: clinical testing. Allele origin: germline. Inheritance: Autosomal recessive inheritance. Observed: 1 variant allele.
Comment: The c.2744+1G>A (NM_004320.4) variant in ATP2A1 has not been previously reported in the literature and was absent from large population studies. This variant oc curs in the invariant region (+/- 1,2) of the splice consensus sequence and is p redicted to cause altered splicing leading to an abnormal or absent protein. Bia llelic loss of function of the ATP2A1 gene has been associated with Brody myopat hy. In summary, although additional studies are required to fully establish a nu ll effect on the protein, the c.2744+1G>A variant is likely pathogenic for Brody myopathy in an autosomal recessive manner based on its predicted impact on the protein. ACMG/AMP Criteria applied: PVS1, PM2

Literature cited by the submitters: PubMed 16199547 (cited by Labcorp Genetics (formerly Invitae), Labcorp); PubMed 8841193 (cited by Labcorp Genetics (formerly Invitae), Labcorp); PubMed 10914677 (cited by Labcorp Genetics (formerly Invitae), Labcorp); PubMed 23911890 (cited by Labcorp Genetics (formerly Invitae), Labcorp); PubMed 26248958 (cited by Labcorp Genetics (formerly Invitae), Labcorp and Laboratory for Molecular Medicine, Mass General Brigham Personalized Medicine).

NM_004320.6(ATP2A1):c.2744+1G>A

Gene: ATP2A1 (ATPase sarcoplasmic/endoplasmic reticulum Ca2+ transporting 1; plus strand). Cytogenetic location: 16p11.2.
Variant type: single nucleotide variant.
Coding change: c.2744+1G>A on transcript NM_004320.6 (MANE Select); the canonical splice donor site of the intron after coding-DNA position 2744, G replaced by A.
Molecular consequence: splice donor variant.
Genome position (GRCh38, 1-based): chr16:28,902,912, G>A. VCF-style: chr16-28902912-G-A. GRCh37 (hg19) VCF-style: chr16-28914233-G-A.
Other names: c.2744+1G>A (NM_173201.5); c.2369+1G>A (NM_001286075.2).
Identifiers: ClinVar variation 666962 (VCV000666962.9), dbSNP rs111266804, ClinGen allele CA395415387.